The following is an entry in ClinVar:

ClinVar aggregate classification (germline): Uncertain significance (1 of 4 stars; one submission).

Conditions:
Hypertrophic cardiomyopathy 14. Identifiers: MedGen C2750467, MONDO:0013197, OMIM 613251.

Submission:

Labcorp Genetics (formerly Invitae), Labcorp
Classification: Uncertain significance for Hypertrophic cardiomyopathy 14. Last evaluated: 2025-08-05. Review status: criteria provided, single submitter. Criteria: Invitae Variant Classification Sherloc (09022015). Collection method: clinical testing. Allele origin: germline.
Comment: This sequence change creates a premature translational stop signal (p.Gln1804*) in the MYH6 gene. It is expected to result in an absent or disrupted protein product. However, the current clinical and genetic evidence is not sufficient to establish whether loss-of-function variants in MYH6 cause disease. This variant is not present in population databases (gnomAD no frequency). This variant has not been reported in the literature in individuals affected with MYH6-related conditions. In summary, the available evidence is currently insufficient to determine the role of this variant in disease. Therefore, it has been classified as a Variant of Uncertain Significance.

NM_002471.4(MYH6):c.5410C>T (p.Gln1804Ter)

Gene: MYH6 (myosin heavy chain 6; minus strand). Cytogenetic location: 14q11.2.
Variant type: single nucleotide variant.
Coding change: c.5410C>T on transcript NM_002471.4 (MANE Select); coding-DNA position 5410, C replaced by T.
Protein change: p.Gln1804Ter; replaces glutamine 1804 with a stop codon.
Molecular consequence: nonsense.
Genome position (GRCh38, 1-based): chr14:23,384,597, G>A on the plus strand (C>T on the coding strand, the complement: MYH6 is on the minus strand). VCF-style: chr14-23384597-G-A. GRCh37 (hg19) VCF-style: chr14-23853806-G-A.
Other names: short protein forms Q1804*.
Identifiers: ClinVar variation 4724854 (VCV004724854.1).